The following is an entry in ClinVar:

NM_000059.4(BRCA2):c.6139T>C (p.Tyr2047His)

Gene: BRCA2 (BRCA2 DNA repair associated; plus strand). Cytogenetic location: 13q13.1.
Variant type: single nucleotide variant.
Coding change: c.6139T>C on transcript NM_000059.4 (MANE Select); coding-DNA position 6139, T replaced by C.
Protein change: p.Tyr2047His; replaces tyrosine 2047 with histidine.
Molecular consequence: missense variant. On other transcripts: non-coding transcript variant (1), intron variant (2).
Genome position (GRCh38, 1-based): chr13:32,340,494, T>C. VCF-style: chr13-32340494-T-C. GRCh37 (hg19) VCF-style: chr13-32914631-T-C.
Other names: c.6139T>C, p.Tyr2047His (NM_001406719.1, NM_001406720.1); c.1910-4064T>C (NM_001406721.1); c.425-4064T>C (NM_001406722.1); short protein forms Y2047H.
Identifiers: ClinVar variation 2566015 (VCV002566015.2), dbSNP rs2137524665, ClinGen allele CA387788238.
Genomic context (GRCh38, chr13:32,340,494, plus strand): 5'-AGAGAAGAAAATACTGCTATACGTACTCCAGAACATTTAATATCCCAAAAAGGCTTTTCA[T>C]ATAATGTGGTAAATTCATCTGCTTTCTCTGGATTTAGTACAGCAAGTGGAAAGCAAGTTT-3'
Protein context (NP_000050.3, residues 2037-2057): EHLISQKGFS[Tyr2047His]NVVNSSAFSG

ClinVar aggregate classification (germline): Uncertain significance (1 of 4 stars; one submission).

Conditions:
Hereditary cancer-predisposing syndrome. Also called: Neoplastic Syndromes, Hereditary; Hereditary Cancer Syndrome; Hereditary neoplastic syndrome; Tumor predisposition. Identifiers: Orphanet 140162, MedGen C0027672, MeSH D009386, MONDO:0015356.

Submission:

Ambry Genetics
Classification: Uncertain significance for Hereditary cancer-predisposing syndrome. Last evaluated: 2023-05-03. Review status: criteria provided, single submitter. Criteria: Ambry Variant Classification Scheme 2023. Collection method: clinical testing. Allele origin: germline.
Comment: The p.Y2047H variant (also known as c.6139T>C), located in coding exon 10 of the BRCA2 gene, results from a T to C substitution at nucleotide position 6139. The tyrosine at codon 2047 is replaced by histidine, an amino acid with similar properties. This amino acid position is conserved. In addition, this alteration is predicted to be tolerated by in silico analysis. Since supporting evidence is limited at this time, the clinical significance of this alteration remains unclear.